The following is an entry in ClinVar:

ClinVar aggregate classification (germline): Pathogenic. Review status: criteria provided, single submitter (1 of 4 stars). 2 submissions from 2 submitters: Pathogenic (1). 1 of the submissions does not count toward it. Last evaluated 2023-05-12.

Conditions:
Lethal left ventricular non-compaction-seizures-hypotonia-cataract-developmental delay syndrome. Also called: Combined oxidative phosphorylation deficiency 31. Identifiers: Orphanet 478049, MedGen C4310661, MONDO:0014976, OMIM 617228.

Allele frequency attached by ClinVar (database versions not stated): TOPMed 0.00001; ExAC 0.00002; gnomAD 0.00002; gnomAD exomes 0.00002.
gnomAD v4.1: 33 of 1,613,976 alleles (0.002%); highest among the groups gnomAD compares: African/African-American, 0.0027%; no homozygotes.

Submissions (2):

Labcorp Genetics (formerly Invitae), Labcorp
Classification: Pathogenic. Last evaluated: 2023-05-12. Review status: criteria provided, single submitter. Criteria: Invitae Variant Classification Sherloc (09022015). Collection method: clinical testing. Allele origin: germline.
Comment: For these reasons, this variant has been classified as Pathogenic. Algorithms developed to predict the effect of sequence changes on RNA splicing suggest that this variant may disrupt the consensus splice site. ClinVar contains an entry for this variant (Variation ID: 840481). Disruption of this splice site has been observed in individual(s) with combined oxidative phosphorylation deficiency (PMID: 27799064, 34620555). In at least one individual the data is consistent with being in trans (on the opposite chromosome) from a pathogenic variant. This variant is present in population databases (rs773688171, gnomAD 0.004%). This sequence change affects a donor splice site in intron 17 of the MIPEP gene. It is expected to disrupt RNA splicing. Variants that disrupt the donor or acceptor splice site typically lead to a loss of protein function (PMID: 16199547), and loss-of-function variants in MIPEP are known to be pathogenic (PMID: 27799064, 34620555).

OMIM
Classification: Pathogenic for COMBINED OXIDATIVE PHOSPHORYLATION DEFICIENCY 31. Last evaluated: 2021-12-21. Review status: no assertion criteria provided. Collection method: literature only. Allele origin: germline. Not counted in ClinVar's aggregate classification.

Literature cited by the submitters: PubMed 27799064 (cited by Labcorp Genetics (formerly Invitae), Labcorp); PubMed 34620555 (cited by Labcorp Genetics (formerly Invitae), Labcorp); PubMed 16199547 (cited by Labcorp Genetics (formerly Invitae), Labcorp); Pulman, J., Ruzzenente, B., Horak, M., Barcia, G., Boddaert, N., Munnich, A., Rotig, A., Metodiev, M. D. Variants in the MIPEP gene presenting with complex neurological phenotype without cardiomyopathy, impair OXPHOS protein maturation and lead to a reduced OXPHOS abundance in patient cells. Molec. Genet. Metab. 134: 267-273, 2021. (cited by OMIM).

NM_005932.4(MIPEP):c.1970+2T>A

Gene: MIPEP (mitochondrial intermediate peptidase; minus strand). Cytogenetic location: 13q12.12.
Variant type: single nucleotide variant.
Coding change: c.1970+2T>A on transcript NM_005932.4 (MANE Select); the canonical splice donor site of the intron after coding-DNA position 1970, T replaced by A.
Molecular consequence: splice donor variant.
Genome position (GRCh38, 1-based): chr13:23,760,094, A>T on the plus strand (T>A on the coding strand, the complement: MIPEP is on the minus strand). VCF-style: chr13-23760094-A-T. GRCh37 (hg19) VCF-style: chr13-24334233-A-T.
Other names: IVS17DS, T-A, +2 (rs773688171).
Identifiers: ClinVar variation 840481 (VCV000840481.9), dbSNP rs773688171, ClinGen allele CA6912775.